The following is an entry in ClinVar:

NM_173628.4(DNAH17):c.1209C>T (p.Pro403=)

Gene: DNAH17 (dynein axonemal heavy chain 17; minus strand). Cytogenetic location: 17q25.3.
Variant type: single nucleotide variant.
Coding change: c.1209C>T on transcript NM_173628.4 (MANE Select); coding-DNA position 1209, C replaced by T.
Protein change: p.Pro403=; no amino-acid change (proline 403 retained).
Molecular consequence: synonymous variant.
Genome position (GRCh38, 1-based): chr17:78,569,241, G>A on the plus strand (C>T on the coding strand, the complement: DNAH17 is on the minus strand). VCF-style: chr17-78569241-G-A. GRCh37 (hg19) VCF-style: chr17-76565323-G-A.
Identifiers: ClinVar variation 3047904 (VCV003047904.2), dbSNP rs769572675, ClinGen allele CA8805262.

ClinVar aggregate classification (germline): Likely benign (0 of 4 stars; one submission).

Conditions:
DNAH17-related disorder. Also called: DNAH17-related condition.

Allele frequency attached by ClinVar (database versions not stated): ExAC 0.00001; gnomAD 0.00002; TOPMed 0.00002.
gnomAD v4.1: 37 of 1,606,532 alleles (0.0023%); highest among the groups gnomAD compares: African/African-American, 0.0027%; no homozygotes.

Submission:

PreventionGenetics, part of Exact Sciences
Classification: Likely benign for DNAH17-related condition. Last evaluated: 2019-02-28. Review status: no assertion criteria provided. Collection method: clinical testing. Allele origin: germline.
Comment: This variant is classified as likely benign based on ACMG/AMP sequence variant interpretation guidelines (Richards et al. 2015 PMID: 25741868, with internal and published modifications).